The following is an entry in ClinVar:

NM_004082.5(DCTN1):c.3212-2A>G

Gene: DCTN1 (dynactin subunit 1; minus strand). Cytogenetic location: 2p13.1.
Variant type: single nucleotide variant.
Coding change: c.3212-2A>G on transcript NM_004082.5 (MANE Select); the canonical splice acceptor site of the intron before coding-DNA position 3212, A replaced by G.
Molecular consequence: splice acceptor variant.
Genome position (GRCh38, 1-based): chr2:74,363,429, T>C on the plus strand (A>G on the coding strand, the complement: DCTN1 is on the minus strand). VCF-style: chr2-74363429-T-C. GRCh37 (hg19) VCF-style: chr2-74590556-T-C.
Other names: c.3086-2A>G (NM_001190836.2); c.3143-2A>G (NM_001378992.1); c.3161-2A>G (NM_001378991.1); c.3137-2A>G (NM_001135040.3); c.3191-2A>G (NM_001190837.2); c.2795-2A>G (NM_001135041.3); c.2810-2A>G (NM_023019.4).
Identifiers: ClinVar variation 1036701 (VCV001036701.9), dbSNP rs1674169667, ClinGen allele CA347338120.
Genomic context (GRCh38, chr2:74,363,429, plus strand): 5'-TGAGTCCTTCACCAGCCCTGGGCCTGGCACAGACCCTGGAGCCTGCCCAGGGATGGCTCC[T>C]GTGGGGACCATAAAAAATCTCATCAGCCCCAAGTGGAAAGGGTTGAAAATTGGGCTCCAT-3'

ClinVar aggregate classification (germline): Uncertain significance (1 of 4 stars; one submission).

Conditions:
Amyotrophic lateral sclerosis type 1 (ALS1). Also called: AMYOTROPHIC LATERAL SCLEROSIS 1, FAMILIAL. Identifiers: Orphanet 803, MedGen C1862939, MONDO:0007103, OMIM 105400.
Neuronopathy, distal hereditary motor, type 7B. Also called: NEURONOPATHY, DISTAL HEREDITARY MOTOR, AUTOSOMAL DOMINANT 14; NEURONOPATHY, DISTAL HEREDITARY MOTOR, HARDING TYPE VIIB; NEUROPATHY, DISTAL HEREDITARY MOTOR, HARDING TYPE VIIB; NEUROPATHY, DISTAL HEREDITARY MOTOR, WITH VOCAL CORD PARALYSIS, HARDING TYPE VIIB; HMN VIIB; LOWER MOTOR NEURON DISEASE, DYNACTIN TYPE. Identifiers: Orphanet 139589, MedGen C1843315, MONDO:0011879, OMIM 607641.
Perry syndrome. Also called: PARKINSONISM WITH ALVEOLAR HYPOVENTILATION AND MENTAL DEPRESSION. Identifiers: Orphanet 178509, MedGen C1868594, MONDO:0008201, OMIM 168605.

Allele frequency attached by ClinVar (database versions not stated): gnomAD exomes below 0.00001.

Submission:

Labcorp Genetics (formerly Invitae), Labcorp
Classification: Uncertain significance for Amyotrophic lateral sclerosis type 1; Neuronopathy, distal hereditary motor, type 7B; Perry syndrome. Last evaluated: 2020-10-21. Review status: criteria provided, single submitter. Criteria: Invitae Variant Classification Sherloc (09022015). Collection method: clinical testing. Allele origin: germline.
Comment: In summary, the available evidence is currently insufficient to determine the role of this variant in disease. Therefore, it has been classified as a Variant of Uncertain Significance. Algorithms developed to predict the effect of sequence changes on RNA splicing suggest that this variant may disrupt the consensus splice site, but this prediction has not been confirmed by published transcriptional studies. This variant has not been reported in the literature in individuals with DCTN1-related conditions. This variant is not present in population databases (ExAC no frequency). This sequence change affects an acceptor splice site in intron 27 of the DCTN1 gene. It is expected to disrupt RNA splicing. Variants that disrupt the donor or acceptor splice site typically lead to a loss of protein function (PMID: 16199547), however the current clinical and genetic evidence is not sufficient to establish whether loss-of-function variants in DCTN1 cause disease.

Literature cited by the submitters: PubMed 16199547.